The following is an entry in ClinVar:

NM_000548.5(TSC2):c.4710G>T (p.Arg1570Ser)

Gene: TSC2 (TSC complex subunit 2; plus strand). Cytogenetic location: 16p13.3.
Variant type: single nucleotide variant.
Coding change: c.4710G>T on transcript NM_000548.5 (MANE Select); coding-DNA position 4710, G replaced by T.
Protein change: p.Arg1570Ser; replaces arginine 1570 with serine.
Molecular consequence: missense variant.
Genome position (GRCh38, 1-based): chr16:2,086,240, G>T. VCF-style: chr16-2086240-G-T. GRCh37 (hg19) VCF-style: chr16-2136241-G-T.
Other names: c.4509G>T, p.Arg1503Ser (NM_001077183.3); c.4641G>T, p.Arg1547Ser (NM_001114382.3); c.4401G>T, p.Arg1467Ser (NM_001318827.2); c.4365G>T, p.Arg1455Ser (NM_001318829.2); c.3978G>T, p.Arg1326Ser (NM_001318831.2); c.4542G>T, p.Arg1514Ser (NM_001318832.2); c.4512G>T, p.Arg1504Ser (NM_001363528.2); c.4578G>T, p.Arg1526Ser (NM_001370404.1); and 1 more; short protein forms R1326S, R1455S, R1467S, R1503S, R1504S, R1514S, R1526S, R1527S.
Identifiers: ClinVar variation 1056953 (VCV001056953.9), dbSNP rs1389060581, ClinGen allele CA394307373.

ClinVar aggregate classification (germline): Uncertain significance (1 of 4 stars; one submission).

Conditions:
Tuberous sclerosis 2 (TSC2). Identifiers: Orphanet 805, MedGen C1860707, MONDO:0013199, OMIM 613254.

Submission:

Labcorp Genetics (formerly Invitae), Labcorp
Classification: Uncertain significance for Tuberous sclerosis 2. Last evaluated: 2020-07-15. Review status: criteria provided, single submitter. Criteria: Invitae Variant Classification Sherloc (09022015). Collection method: clinical testing. Allele origin: germline.
Comment: This sequence change replaces arginine with serine at codon 1570 of the TSC2 protein (p.Arg1570Ser). The arginine residue is highly conserved and there is a moderate physicochemical difference between arginine and serine. This variant is not present in population databases (ExAC no frequency). This variant has not been reported in the literature in individuals with TSC2-related conditions. Algorithms developed to predict the effect of missense changes on protein structure and function are either unavailable or do not agree on the potential impact of this missense change (SIFT: "Deleterious"; PolyPhen-2: "Probably Damaging"; Align-GVGD: "Class C0"). In summary, the available evidence is currently insufficient to determine the role of this variant in disease. Therefore, it has been classified as a Variant of Uncertain Significance.